The following is an entry in ClinVar:

ClinVar aggregate classification (germline): Likely benign. Review status: criteria provided, multiple submitters, no conflicts (2 of 4 stars). 4 submissions from 4 submitters: Likely benign (4). Last evaluated 2025-09-30.

Conditions:
Hereditary cancer-predisposing syndrome. Also called: Hereditary neoplastic syndrome; Hereditary Cancer Syndrome; Neoplastic Syndromes, Hereditary; Tumor predisposition. Identifiers: Orphanet 140162, MedGen C0027672, MeSH D009386, MONDO:0015356.
Familial cancer of breast. Also called: BREAST CANCER, FAMILIAL; hereditary breast carcinoma; Hereditary breast cancer. Identifiers: Orphanet 227535, MedGen C0346153, MONDO:0016419, OMIM 114480. Disease mechanism: loss of function.

Allele frequency attached by ClinVar (database versions not stated): TOPMed 0.00001; gnomAD 0.00002.

Submissions (4):

Labcorp Genetics (formerly Invitae), Labcorp
Classification: Likely benign for Familial cancer of breast. Last evaluated: 2025-09-30. Review status: criteria provided, single submitter. Criteria: Invitae Variant Classification Sherloc (09022015). Collection method: clinical testing. Allele origin: germline.

Myriad Genetics, Inc.
Classification: Likely benign for Familial cancer of breast. Last evaluated: 2024-10-03. Review status: criteria provided, single submitter. Criteria: Myriad Autosomal Dominant, Autosomal Recessive and X-Linked Classification Criteria (2023). Collection method: clinical testing. Allele origin: unknown.
Comment: This variant is considered likely benign. This variant is intronic and is not expected to impact mRNA splicing.

Color Diagnostics, LLC DBA Color Health
Classification: Likely benign for Hereditary cancer-predisposing syndrome. Last evaluated: 2016-05-10. Review status: criteria provided, single submitter. Criteria: ACMG Guidelines, 2015. Collection method: clinical testing. Allele origin: germline.

GeneDx
Classification: Likely benign. Last evaluated: 2015-11-23. Review status: criteria provided, single submitter. Criteria: GeneDx Variant Classification (06012015). Collection method: clinical testing. Allele origin: germline. Affected: yes.
Comment: This variant is considered likely benign or benign based on one or more of the following criteria: it is a conservative change, it occurs at a poorly conserved position in the protein, it is predicted to be benign by multiple in silico algorithms, and/or has population frequency not consistent with disease.

NM_007194.4(CHEK2):c.684-20A>G

Gene: CHEK2 (checkpoint kinase 2; minus strand). Cytogenetic location: 22q12.1.
Variant type: single nucleotide variant.
Coding change: c.684-20A>G on transcript NM_007194.4 (MANE Select); 20 bases into the intron before coding-DNA position 684, A replaced by G.
Molecular consequence: intron variant.
Genome position (GRCh38, 1-based): chr22:28,712,037, T>C on the plus strand (A>G on the coding strand, the complement: CHEK2 is on the minus strand). VCF-style: chr22-28712037-T-C. GRCh37 (hg19) VCF-style: chr22-29108025-T-C.
Other names: c.21-20A>G (NM_001437942.1, NM_001257387.3); c.483-20A>G (NM_001349956.3); c.684-20A>G (NM_145862.3); c.777-20A>G (NM_001438295.1, NM_001438293.1); c.813-20A>G (NM_001438294.1, NM_001005735.3).
Identifiers: ClinVar variation 377657 (VCV000377657.13), dbSNP rs1057520266, ClinGen allele CA16608639.